The following is an entry in ClinVar:

NM_006294.5(UQCRB):c.306_309del (p.Arg105fs)

Gene: UQCRB (ubiquinol-cytochrome c reductase binding protein; minus strand). Cytogenetic location: 8q22.1.
Variant type: Deletion.
Coding change: c.306_309del on transcript NM_006294.5 (MANE Select); coding-DNA positions 306 to 309, 4 bases deleted (AAAA; older notation c.306_309delAAAA).
Protein change: p.Arg105fs; shifts the reading frame from arginine 105.
Molecular consequence: frameshift variant. On other transcripts: 3 prime UTR variant (1), non-coding transcript variant (1).
Genome position (GRCh38, 1-based): chr8:96,231,082-96,231,085, TTTT deleted on the plus strand (AAAA on the coding strand, the reverse complement: UQCRB is on the minus strand). VCF-style (leftmost placement, unchanged base first): chr8-96231081-CTTTT-C. GRCh37 (hg19) VCF-style: chr8-97243309-CTTTT-C.
Other names: c.210_213del, p.Arg73fs (NM_001199975.3); c.*20_*23del (NM_001254752.2); short protein forms R105fs, R73fs.
Identifiers: ClinVar variation 286054 (VCV000286054.11), dbSNP rs886043294, ClinGen allele CA10605346.

ClinVar aggregate classification (germline): Conflicting classifications of pathogenicity. Review status: criteria provided, conflicting classifications (1 of 4 stars). 3 submissions from 3 submitters: Pathogenic (1); Uncertain significance (1). 1 of the submissions does not count toward it. Last evaluated 2022-08-23.

Conditions:
Mitochondrial complex III deficiency nuclear type 3. Identifiers: MedGen C3554606, MONDO:0014064, OMIM 615158.

Allele frequency attached by ClinVar (database versions not stated): TOPMed below 0.00001; gnomAD 0.00001.

Submissions (3):

Labcorp Genetics (formerly Invitae), Labcorp
Classification: Uncertain significance. Last evaluated: 2022-08-23. Review status: criteria provided, single submitter. Criteria: Invitae Variant Classification Sherloc (09022015). Collection method: clinical testing. Allele origin: germline.
Comment: In summary, the available evidence is currently insufficient to determine the role of this variant in disease. Therefore, it has been classified as a Variant of Uncertain Significance. Experimental studies have shown that this frameshift affects UQCRB function (PMID: 25446085). Algorithms developed to predict the effect of variants on protein structure and function are not available or were not evaluated for this variant. ClinVar contains an entry for this variant (Variation ID: 286054). This frameshift has been observed in individual(s) with autosomal recessive mitochondrial complex III deficiency (PMID: 12709789, 28604960). This variant is present in population databases (no rsID available, gnomAD 0.01%). This sequence change results in a frameshift in the UQCRB gene (p.Arg105Lysfs*22). While this is not anticipated to result in nonsense mediated decay, it is expected to disrupt the last 7 amino acid(s) of the UQCRB protein and extend the protein by 14 additional amino acid residues.

Eurofins Ntd Llc (ga)
Classification: Pathogenic. Last evaluated: 2016-01-25. Review status: criteria provided, single submitter. Criteria: EGL Classification Definitions 2015. Collection method: clinical testing. Allele origin: germline. Observed: 2 variant alleles, 1 heterozygote, 1 homozygote.

OMIM
Classification: Pathogenic for MITOCHONDRIAL COMPLEX III DEFICIENCY, NUCLEAR TYPE 3. Last evaluated: 2003-07-01. Review status: no assertion criteria provided. Collection method: literature only. Allele origin: germline. Not counted in ClinVar's aggregate classification.

Literature cited by the submitters: PubMed 25446085 (cited by Labcorp Genetics (formerly Invitae), Labcorp); PubMed 12709789 (cited by Labcorp Genetics (formerly Invitae), Labcorp and OMIM); PubMed 28604960 (cited by Labcorp Genetics (formerly Invitae), Labcorp).